The following is an entry in ClinVar:

NM_002693.3(POLG):c.1135A>C (p.Lys379Gln)

Gene: POLG (DNA polymerase gamma, catalytic subunit; minus strand). Cytogenetic location: 15q26.1.
Variant type: single nucleotide variant.
Coding change: c.1135A>C on transcript NM_002693.3 (MANE Select); coding-DNA position 1135, A replaced by C.
Protein change: p.Lys379Gln; replaces lysine 379 with glutamine.
Molecular consequence: missense variant.
Genome position (GRCh38, 1-based): chr15:89,328,720, T>G on the plus strand (A>C on the coding strand, the complement: POLG is on the minus strand). VCF-style: chr15-89328720-T-G. GRCh37 (hg19) VCF-style: chr15-89871951-T-G.
Other names: c.1135A>C, p.Lys379Gln (NM_001126131.2); short protein forms K379Q.
Identifiers: ClinVar variation 4802420 (VCV004802420.1).

ClinVar aggregate classification (germline): Uncertain significance (1 of 4 stars; one submission).

Conditions:
Progressive sclerosing poliodystrophy (MTDPS4A). Also called: ALPERS PROGRESSIVE INFANTILE POLIODYSTROPHY; NEURONAL DEGENERATION OF CHILDHOOD WITH LIVER DISEASE, PROGRESSIVE; Mitochondrial DNA Depletion Syndrome 4A; Alpers Syndrome; ALPERS DIFFUSE DEGENERATION OF CEREBRAL GRAY MATTER WITH HEPATIC CIRRHOSIS; Alpers-Huttenlocher Syndrome. Identifiers: Orphanet 726, MedGen C0205710, MONDO:0008758, OMIM 203700.

Submission:

Labcorp Genetics (formerly Invitae), Labcorp
Classification: Uncertain significance for Progressive sclerosing poliodystrophy. Last evaluated: 2025-05-27. Review status: criteria provided, single submitter. Criteria: Invitae Variant Classification Sherloc (09022015). Collection method: clinical testing. Allele origin: germline.
Comment: This sequence change replaces lysine, which is basic and polar, with glutamine, which is neutral and polar, at codon 379 of the POLG protein (p.Lys379Gln). This variant is not present in population databases (gnomAD no frequency). This variant has not been reported in the literature in individuals affected with POLG-related conditions. Invitae Evidence Modeling of protein sequence and biophysical properties (such as structural, functional, and spatial information, amino acid conservation, physicochemical variation, residue mobility, and thermodynamic stability) has been performed for this missense variant. However, the output from this modeling did not meet the statistical confidence thresholds required to predict the impact of this variant on POLG protein function. In summary, the available evidence is currently insufficient to determine the role of this variant in disease. Therefore, it has been classified as a Variant of Uncertain Significance.